The following is an entry in ClinVar:

NM_001174150.2(ARL13B):c.1210+196A>G

Gene: ARL13B (ARF like GTPase 13B; plus strand). Cytogenetic location: 3q11.2.
Variant type: single nucleotide variant.
Coding change: c.1210+196A>G on transcript NM_001174150.2 (MANE Select); 196 bases into the intron after coding-DNA position 1210, A replaced by G.
Molecular consequence: intron variant.
Genome position (GRCh38, 1-based): chr3:94,051,088, A>G. VCF-style: chr3-94051088-A-G. GRCh37 (hg19) VCF-style: chr3-93769932-A-G.
Other names: c.1165+196A>G (NM_001321328.2); c.1210+196A>G (NM_182896.3); c.901+196A>G (NM_001174151.2); c.889+196A>G (NM_144996.4).
Identifiers: ClinVar variation 680100 (VCV000680100.1), dbSNP rs62265488, ClinGen allele CA15243645.

ClinVar aggregate classification (germline): Benign (1 of 4 stars; one submission).

Allele frequency attached by ClinVar (database versions not stated): 1000 Genomes Project 0.12320; 1000 Genomes Project 30x 0.12414; TOPMed 0.16910; gnomAD 0.18214 and 0.18341.
gnomAD v4.1: 27,508 of 151,774 alleles (18%); highest among the groups gnomAD compares: Non-Finnish European, 25%; 3,137 homozygotes.

Submission:

GeneDx
Classification: Benign. Last evaluated: 2018-06-14. Review status: criteria provided, single submitter. Criteria: GeneDx Variant Classification (06012015). Collection method: clinical testing. Allele origin: germline. Affected: yes.
Comment: This variant is considered likely benign or benign based on one or more of the following criteria: it is a conservative change, it occurs at a poorly conserved position in the protein, it is predicted to be benign by multiple in silico algorithms, and/or has population frequency not consistent with disease.